The following is an entry in ClinVar:

NM_018063.5(HELLS):c.410A>G (p.Asn137Ser)

Gene: HELLS (helicase, lymphoid specific; plus strand). Cytogenetic location: 10q23.33.
Variant type: single nucleotide variant.
Coding change: c.410A>G on transcript NM_018063.5 (MANE Select); coding-DNA position 410, A replaced by G.
Protein change: p.Asn137Ser; replaces asparagine 137 with serine.
Molecular consequence: missense variant. On other transcripts: 5 prime UTR variant (2), intron variant (1).
Genome position (GRCh38, 1-based): chr10:94,562,851, A>G. VCF-style: chr10-94562851-A-G. GRCh37 (hg19) VCF-style: chr10-96322608-A-G.
Other names: c.410A>G, p.Asn137Ser (NM_001289067.2, NM_001289069.2, NM_001289070.2 and 1 more transcripts); c.362A>G, p.Asn121Ser (NM_001289068.2); c.38A>G, p.Asn13Ser (NM_001289071.2); c.-593A>G (NM_001289074.2); c.-612A>G (NM_001289075.2); c.21+124A>G (NM_001289073.2); short protein forms N13S, N121S, N137S.
Identifiers: ClinVar variation 1433886 (VCV001433886.4), dbSNP rs202140546, ClinGen allele CA5615272.

ClinVar aggregate classification (germline): Uncertain significance (1 of 4 stars; one submission).

Allele frequency attached by ClinVar (database versions not stated): gnomAD 0.00005 and 0.00006; gnomAD exomes 0.00007 and 0.00014; TOPMed 0.00010; ExAC 0.00020.
gnomAD v4.1: 108 of 1,580,598 alleles (0.0068%); highest among the groups gnomAD compares: East Asian, 0.018%; no homozygotes.

Submission:

Labcorp Genetics (formerly Invitae), Labcorp
Classification: Uncertain significance. Last evaluated: 2025-02-02. Review status: criteria provided, single submitter. Criteria: Invitae Variant Classification Sherloc (09022015). Collection method: clinical testing. Allele origin: germline.
Comment: This sequence change replaces asparagine, which is neutral and polar, with serine, which is neutral and polar, at codon 137 of the HELLS protein (p.Asn137Ser). This variant is present in population databases (rs202140546, gnomAD 0.03%). This variant has not been reported in the literature in individuals affected with HELLS-related conditions. ClinVar contains an entry for this variant (Variation ID: 1433886). An algorithm developed to predict the effect of missense changes on protein structure and function outputs the following: PolyPhen-2: "Benign". The serine amino acid residue is found in multiple mammalian species, which suggests that this missense change does not adversely affect protein function. In summary, the available evidence is currently insufficient to determine the role of this variant in disease. Therefore, it has been classified as a Variant of Uncertain Significance.